The following is an entry in ClinVar:

ClinVar aggregate classification (germline): Pathogenic. Review status: reviewed by expert panel (3 of 4 stars). 9 submissions from 8 submitters: Pathogenic (1). 8 of the submissions do not count toward it. Last evaluated 2026-10-30.

Conditions:
RPGR-related retinopathy. Also called: RPGR retinopathy. Identifiers: MedGen CN305589, MONDO:0100437.
Retinal dystrophy. Also called: Inherited retinal dystrophy. Identifiers: Orphanet 71862, MedGen C0854723, MeSH D058499, MONDO:0019118, HP:0000556.
Retinitis pigmentosa 3. Also called: CHOROIDORETINAL DEGENERATION WITH RETINAL REFLEX IN HETEROZYGOUS WOMEN. Identifiers: Orphanet 791, MedGen C1845667, MONDO:0010227, OMIM 300029.
X-linked cone-rod dystrophy 1 (CORDX1). Identifiers: Orphanet 1872, MedGen C1844776, MONDO:0010566, OMIM 304020.
Macular degeneration, X-linked atrophic. Identifiers: Orphanet 1872, MedGen C3151784, MONDO:0010443, OMIM 300834.
Primary ciliary dyskinesia. Also called: Ciliary dyskinesia. Identifiers: Orphanet 244, MedGen C0008780, MONDO:0016575, HP:0012265.
Cone-rod dystrophy. Also called: Cone/cone-rod dystrophy; Cone-rod degeneration. Identifiers: Orphanet 1872, MedGen C4085590, MONDO:0015993, HP:0000548.

Submissions (9):

ClinGen X-linked Inherited Retinal Disease Variant Curation Expert Panel, ClinGen
Classification: Pathogenic for RPGR-related retinopathy. Last evaluated: 2026-10-30. Review status: reviewed by expert panel. Criteria: ClinGen X LinkedIRD ACMG Specifications RPGR V1.0.0. Collection method: curation. Allele origin: germline. Inheritance: X-linked inheritance.
Comment: NM_001034853.2(RPGR):c.3178_3179del (p.Glu1060ArgfsTer18) is a frameshift variant due to the deletion of 2 nucleotides that introduces a premature stop codon after 18 amino acids, which is predicted to disrupt a critical C-terminal region required for proper glutamylation of RPGR (PVS1, PMID: 36445968). This variant is absent from hemizygous individuals in gnomAD v4.1.2 (PM2_Supporting). This variant has been reported in at least 5 apparently unrelated probands meeting the PS4 requirement of some functional vision impairment in affected males by age 30 years, with decreased or absent cone and/or rod electroretinogram responses (PMIDs: 31645972, 28559085, 16936086, 25412400, 35432464, 36445968, 42573183, PS4_Moderate). Exogenously expressed RPGR harboring the variant shows a reduced signal when subjected to western blotting with an antibody detecting polyglutamylation (PMID: 36445968, PS3_Supporting). In summary, this variant is classified as Pathogenic for RPGR-related retinopathy based on the ClinGen X-linked Inherited Retinal Disease Expert Panel Specifications to the ACMG/AMP Variant Interpretation Guidelines for RPGR Version 1.0.0: PVS1, PM2_Supporting, PS4_Moderate, and PS3_Supporting.

Labcorp Genetics (formerly Invitae), Labcorp
Classification: Pathogenic for Primary ciliary dyskinesia. Last evaluated: 2026-01-21. Review status: criteria provided, single submitter. Criteria: Invitae Variant Classification Sherloc (09022015). Collection method: clinical testing. Allele origin: germline. Not counted in ClinVar's aggregate classification.
Comment: This sequence change creates a premature translational stop signal (p.Glu1060Argfs*18) in the RPGR (ORF15) gene. While this is not anticipated to result in nonsense mediated decay, it is expected to disrupt the last 93 amino acid(s) of the RPGR (ORF15) protein. This variant is present in population databases (rs771214648, gnomAD 0.001%). This premature translational stop signal has been observed in individuals with retinitis pigmentosa (PMID: 16936086, 25097241). This variant is also known as ORF15+1422_1423delAG. ClinVar contains an entry for this variant (Variation ID: 216990). This variant disrupts a region of the RPGR (ORF15) protein in which other variant(s) (p.Leu1130Lysfs*13) have been determined to be pathogenic (PMID: 22264887; internal data). This suggests that this is a clinically significant region of the protein, and that variants that disrupt it are likely to be disease-causing. For these reasons, this variant has been classified as Pathogenic.

Institute of Medical Genetics and Applied Genomics, University Hospital Tübingen
Classification: Pathogenic for Cone-rod dystrophy. Last evaluated: 2024-02-26. Review status: criteria provided, single submitter. Criteria: ACMG Guidelines, 2015. Collection method: clinical testing. Allele origin: germline. Inheritance: X-linked recessive inheritance. Affected: yes. Not counted in ClinVar's aggregate classification.

Institute of Medical Molecular Genetics, University of Zurich
Classification: Pathogenic for Macular degeneration, X-linked atrophic. Last evaluated: 2020-12-21. Review status: criteria provided, single submitter. Criteria: Maggi J et al. (Genes (Basel) 2020). Collection method: research. Allele origin: unknown. Affected: yes. Not counted in ClinVar's aggregate classification.

Blueprint Genetics
Classification: Pathogenic for Retinal dystrophy. Last evaluated: 2018-07-31. Review status: criteria provided, single submitter. Criteria: Blueprint Genetics Variant Classification Scheme. Collection method: clinical testing. Allele origin: germline. Affected: yes. Not counted in ClinVar's aggregate classification.

PreventionGenetics, part of Exact Sciences
Classification: Pathogenic. Last evaluated: 2017-09-28. Review status: criteria provided, single submitter. Criteria: ACMG Guidelines, 2015. Collection method: clinical testing. Allele origin: germline. Not counted in ClinVar's aggregate classification.

CeGaT Center for Human Genetics Tuebingen
Classification: Pathogenic. Last evaluated: 2017-06-01. Review status: criteria provided, single submitter. Criteria: CeGaT Center For Human Genetics Tuebingen Variant Classification Criteria Version 2. Collection method: clinical testing. Allele origin: germline. Affected: yes. Observed: 1 variant allele. Not counted in ClinVar's aggregate classification.

UCLA Clinical Genomics Center, UCLA
Classification: Likely pathogenic for Cone-rod dystrophy, X-linked 1. Last evaluated: 2012-10-23. Review status: criteria provided, single submitter. Criteria: Lee et al. (JAMA. 2014). Collection method: clinical testing. Allele origin: germline. Inheritance: X-linked inheritance. Affected: yes. Study: CES. Not counted in ClinVar's aggregate classification.

Blueprint Genetics
Classification: Pathogenic for Retinitis pigmentosa 3. Review status: no assertion criteria provided. Collection method: clinical testing. Allele origin: germline. Affected: yes. Not counted in ClinVar's aggregate classification.

Literature cited by the submitters: PubMed 16936086 (cited by Labcorp Genetics (formerly Invitae), Labcorp); PubMed 25097241 (cited by Labcorp Genetics (formerly Invitae), Labcorp); PubMed 22264887 (cited by Labcorp Genetics (formerly Invitae), Labcorp).

NM_001034853.2(RPGR):c.3178_3179del (p.Glu1060fs)

Gene: RPGR (retinitis pigmentosa GTPase regulator; minus strand). Cytogenetic location: Xp11.4.
Variant type: Microsatellite.
Coding change: c.3178_3179del on transcript NM_001034853.2 (MANE Select); coding-DNA positions 3178 to 3179, 2 bases deleted (GA; older notation c.3178_3179delGA).
Protein change: p.Glu1060fs; shifts the reading frame from glutamic acid 1060.
Molecular consequence: frameshift variant. On other transcripts: intron variant (8).
Genome position (GRCh38, 1-based): chrX:38,285,820-38,285,821, TC deleted on the plus strand (GA on the coding strand, the reverse complement: RPGR is on the minus strand); deleting any 2 consecutive bases within chrX:38,285,820-38,285,824 gives the same sequence; the c. name uses the placement nearest the transcript's 3' end. VCF-style (leftmost placement, unchanged base first): chrX-38285819-TTC-T. GRCh37 (hg19) VCF-style: chrX-38145072-TTC-T.
Other names: c.1569+5138_1569+5139del (NM_001367249.1, NM_001367250.1); c.1902+1273_1902+1274del (NM_001367245.1); c.1386+5138_1386+5139del (NM_001367251.1); c.1719+1273_1719+1274del (NM_001367246.1); c.1572+5138_1572+5139del (NM_001367247.1); c.1905+1273_1905+1274del (NM_000328.3); c.1602+5138_1602+5139del (NM_001367248.1); c.3178_3179del (NM_001034853.1); short protein forms E1060fs.
Identifiers: ClinVar variation 216990 (VCV000216990.55), dbSNP rs771214648, ClinGen allele CA210031.